The following is an entry in ClinVar:

ClinVar aggregate classification (germline): Uncertain significance. Review status: criteria provided, multiple submitters, no conflicts (2 of 4 stars). 2 submissions from 2 submitters: Uncertain significance (2). Last evaluated 2025-06-20.

Conditions:
Primary ciliary dyskinesia 23 (CILD23). Also called: CILIARY DYSKINESIA, PRIMARY, 23, WITH OR WITHOUT SITUS INVERSUS. Identifiers: Orphanet 244, MedGen C3809548, MONDO:0014193, OMIM 615451.
Primary ciliary dyskinesia. Also called: Ciliary dyskinesia. Identifiers: Orphanet 244, MedGen C0008780, MONDO:0016575, HP:0012265.

gnomAD v4.1: 4 of 1,613,854 alleles (0.00025%); highest among the groups gnomAD compares: South Asian, 0.0044%; no homozygotes.

Submissions (2):

Ambry Genetics
Classification: Uncertain significance for Primary ciliary dyskinesia. Last evaluated: 2025-06-20. Review status: criteria provided, single submitter. Criteria: Ambry Variant Classification Scheme 2023. Collection method: clinical testing. Allele origin: germline.
Comment: The p.H523Y variant (also known as c.1567C>T), located in coding exon 11 of the ARMC4 gene, results from a C to T substitution at nucleotide position 1567. The histidine at codon 523 is replaced by tyrosine, an amino acid with similar properties. This amino acid position is conserved. In addition, this alteration is predicted to be tolerated by in silico analysis. Based on the available evidence, the clinical significance of this variant remains unclear.

Labcorp Genetics (formerly Invitae), Labcorp
Classification: Uncertain significance for Primary ciliary dyskinesia 23. Last evaluated: 2021-09-17. Review status: criteria provided, single submitter. Criteria: Invitae Variant Classification Sherloc (09022015). Collection method: clinical testing. Allele origin: germline.
Comment: In summary, the available evidence is currently insufficient to determine the role of this variant in disease. Therefore, it has been classified as a Variant of Uncertain Significance. Algorithms developed to predict the effect of missense changes on protein structure and function (SIFT, PolyPhen-2, Align-GVGD) all suggest that this variant is likely to be tolerated. This variant has not been reported in the literature in individuals affected with ARMC4-related conditions. This variant is present in population databases (rs770607602, ExAC 0.006%). This sequence change replaces histidine with tyrosine at codon 523 of the ARMC4 protein (p.His523Tyr). The histidine residue is weakly conserved and there is a moderate physicochemical difference between histidine and tyrosine.

NM_018076.5(ODAD2):c.1567C>T (p.His523Tyr)

Gene: ODAD2 (outer dynein arm docking complex subunit 2; minus strand). Cytogenetic location: 10p12.1.
Variant type: single nucleotide variant.
Coding change: c.1567C>T on transcript NM_018076.5 (MANE Select); coding-DNA position 1567, C replaced by T.
Protein change: p.His523Tyr; replaces histidine 523 with tyrosine.
Molecular consequence: missense variant.
Genome position (GRCh38, 1-based): chr10:27,944,398, G>A on the plus strand (C>T on the coding strand, the complement: ODAD2 is on the minus strand). VCF-style: chr10-27944398-G-A. GRCh37 (hg19) VCF-style: chr10-28233327-G-A.
Other names: c.1567C>T, p.His523Tyr (NM_001290020.2); c.142C>T, p.His48Tyr (NM_001290021.2); c.643C>T, p.His215Tyr (NM_001312689.2); c.1567C>T (NM_018076.2); short protein forms H215Y, H48Y, H523Y.
Identifiers: ClinVar variation 1681373 (VCV001681373.8), dbSNP rs770607602, ClinGen allele CA5453483.
Genomic context (GRCh38, chr10:27,944,398, plus strand): 5'-TATTCACCATAATTGGTAAGCCCCCAAGGTCAACAATATTCTGTCTGATTTGAGGATTAT[G>A]ACTGATTTCCTTCAGTATTTTTAATGAACCAATCTGTGTGAGAAAAAAAAAGATGAGTGG-3'
Protein context (NP_060546.2, residues 513-533): GSLKILKEIS[His523Tyr]NPQIRQNIVD